The following is an entry in ClinVar:

NM_001042492.3(NF1):c.888+101C>T

Gene: NF1 (neurofibromin 1; plus strand). Cytogenetic location: 17q11.2.
Variant type: single nucleotide variant.
Coding change: c.888+101C>T on transcript NM_001042492.3 (MANE Select); 101 bases into the intron after coding-DNA position 888, C replaced by T.
Molecular consequence: intron variant.
Genome position (GRCh38, 1-based): chr17:31,182,766, C>T. VCF-style: chr17-31182766-C-T. GRCh37 (hg19) VCF-style: chr17-29509784-C-T.
Other names: c.888+101C>T (NM_000267.4, NM_001128147.3).
Identifiers: ClinVar variation 2647627 (VCV002647627.24), dbSNP rs543012668, ClinGen allele CA289335284.
Genomic context (GRCh38, chr17:31,182,766, plus strand): 5'-AGCAGTTTATTTTACTCAAGGTGTGTATTACTTTAGGCTTATTATTTAAGCAAAGTATTT[C>T]AGGGAACCATTTAAATGATCATTTTAGGTTTCTTTGTTTGATGGACTTAGAAGAGACATA-3'

ClinVar aggregate classification (germline): Benign (1 of 4 stars; one submission).

Allele frequency attached by ClinVar (database versions not stated): TOPMed 0.00003; gnomAD 0.00008; 1000 Genomes Project 0.00060; 1000 Genomes Project 30x 0.00062.
gnomAD v4.1: 36 of 1,140,630 alleles (0.0032%); highest among the groups gnomAD compares: East Asian, 0.084%; 1 homozygote.

Submission:

CeGaT Center for Human Genetics Tuebingen
Classification: Benign. Last evaluated: 2022-10-01. Review status: criteria provided, single submitter. Criteria: CeGaT Center For Human Genetics Tuebingen Variant Classification Criteria Version 2. Collection method: clinical testing. Allele origin: germline. Affected: yes. Observed: 1 variant allele.
Comment: NF1: BS1, BS2